The following is an entry in ClinVar:

NM_001365480.1(CCDC88A):c.5035G>A (p.Glu1679Lys)

Gene: CCDC88A (coiled-coil and HOOK domain protein 88A; minus strand). Cytogenetic location: 2p16.1.
Variant type: single nucleotide variant.
Coding change: c.5035G>A on transcript NM_001365480.1 (MANE Select); coding-DNA position 5035, G replaced by A.
Protein change: p.Glu1679Lys; replaces glutamic acid 1679 with lysine.
Molecular consequence: missense variant.
Genome position (GRCh38, 1-based): chr2:55,296,314, C>T on the plus strand (G>A on the coding strand, the complement: CCDC88A is on the minus strand). VCF-style: chr2-55296314-C-T. GRCh37 (hg19) VCF-style: chr2-55523450-C-T.
Other names: c.5032G>A, p.Glu1678Lys (NM_001135597.2, NM_001254943.2); c.4951G>A, p.Glu1651Lys (NM_018084.5); short protein forms E1651K, E1678K, E1679K.
Identifiers: ClinVar variation 2106246 (VCV002106246.4), dbSNP rs2529535170, ClinGen allele CA346912368.

ClinVar aggregate classification (germline): Uncertain significance (1 of 4 stars; one submission).

Submission:

Labcorp Genetics (formerly Invitae), Labcorp
Classification: Uncertain significance. Last evaluated: 2022-03-04. Review status: criteria provided, single submitter. Criteria: Invitae Variant Classification Sherloc (09022015). Collection method: clinical testing. Allele origin: germline.
Comment: In summary, the available evidence is currently insufficient to determine the role of this variant in disease. Therefore, it has been classified as a Variant of Uncertain Significance. Algorithms developed to predict the effect of missense changes on protein structure and function are either unavailable or do not agree on the potential impact of this missense change (SIFT: "Deleterious"; PolyPhen-2: "Probably Damaging"; Align-GVGD: "Class C0"). This variant has not been reported in the literature in individuals affected with CCDC88A-related conditions. This variant is not present in population databases (gnomAD no frequency). This sequence change replaces glutamic acid, which is acidic and polar, with lysine, which is basic and polar, at codon 1678 of the CCDC88A protein (p.Glu1678Lys).